The following is an entry in ClinVar:

ClinVar aggregate classification (germline): Uncertain significance. Review status: criteria provided, multiple submitters, no conflicts (2 of 4 stars). 2 submissions from 2 submitters: Uncertain significance (2). Last evaluated 2024-10-16.

Conditions:
Developmental and epileptic encephalopathy 94 (DEE94). Also called: Epileptic encephalopathy, childhood-onset; CHD2-Related Neurodevelopmental Disorders. Identifiers: Orphanet 1942, Orphanet 2382, MedGen C3809278, MONDO:0014150, OMIM 615369.

Allele frequency attached by ClinVar (database versions not stated): gnomAD exomes 0.00001.
gnomAD v4.1: 5 of 1,613,944 alleles (0.00031%); highest among the groups gnomAD compares: Non-Finnish European, 0.00042%; no homozygotes.

Submissions (2):

GeneDx
Classification: Uncertain significance. Last evaluated: 2024-10-16. Review status: criteria provided, single submitter. Criteria: GeneDx Variant Classification Process June 2021. Collection method: clinical testing. Allele origin: germline. Affected: yes.
Comment: Not observed at significant frequency in large population cohorts (gnomAD); In silico analysis indicates that this missense variant does not alter protein structure/function; Has not been previously published as pathogenic or benign to our knowledge

Labcorp Genetics (formerly Invitae), Labcorp
Classification: Uncertain significance for Developmental and epileptic encephalopathy 94. Last evaluated: 2022-12-03. Review status: criteria provided, single submitter. Criteria: Invitae Variant Classification Sherloc (09022015). Collection method: clinical testing. Allele origin: germline.
Comment: In summary, the available evidence is currently insufficient to determine the role of this variant in disease. Therefore, it has been classified as a Variant of Uncertain Significance. Advanced modeling of protein sequence and biophysical properties (such as structural, functional, and spatial information, amino acid conservation, physicochemical variation, residue mobility, and thermodynamic stability) performed at Invitae indicates that this missense variant is not expected to disrupt CHD2 protein function. This variant has not been reported in the literature in individuals affected with CHD2-related conditions. This variant is not present in population databases (gnomAD no frequency). This sequence change replaces glycine, which is neutral and non-polar, with serine, which is neutral and polar, at codon 294 of the CHD2 protein (p.Gly294Ser).

NM_001271.4(CHD2):c.880G>A (p.Gly294Ser)

Gene: CHD2 (chromodomain helicase DNA binding protein 2; plus strand). Cytogenetic location: 15q26.1.
Variant type: single nucleotide variant.
Coding change: c.880G>A on transcript NM_001271.4 (MANE Select); coding-DNA position 880, G replaced by A.
Protein change: p.Gly294Ser; replaces glycine 294 with serine.
Molecular consequence: missense variant.
Genome position (GRCh38, 1-based): chr15:92,942,896, G>A. VCF-style: chr15-92942896-G-A. GRCh37 (hg19) VCF-style: chr15-93486126-G-A.
Other names: c.880G>A, p.Gly294Ser (NM_001042572.3); c.880G>A (NM_001271.3); short protein forms G294S.
Identifiers: ClinVar variation 2958974 (VCV002958974.4), dbSNP rs2053405401, ClinGen allele CA393901534.